The following is an entry in ClinVar:

NM_144687.4(NLRP12):c.103G>A (p.Ala35Thr)

Gene: NLRP12 (NLR family pyrin domain containing 12; minus strand). Cytogenetic location: 19q13.42.
Variant type: single nucleotide variant.
Coding change: c.103G>A on transcript NM_144687.4 (MANE Select); coding-DNA position 103, G replaced by A.
Protein change: p.Ala35Thr; replaces alanine 35 with threonine.
Molecular consequence: missense variant.
Genome position (GRCh38, 1-based): chr19:53,824,072, C>T on the plus strand (G>A on the coding strand, the complement: NLRP12 is on the minus strand). VCF-style: chr19-53824072-C-T. GRCh37 (hg19) VCF-style: chr19-54327326-C-T.
Other names: c.103G>A, p.Ala35Thr (NM_001277126.2, NM_001277129.1); short protein forms A35T.
Identifiers: ClinVar variation 932440 (VCV000932440.44), dbSNP rs149098000, ClinGen allele CA9639836.

ClinVar aggregate classification (germline): Uncertain significance. Review status: criteria provided, multiple submitters, no conflicts (2 of 4 stars). 4 submissions from 4 submitters: Uncertain significance (4). Last evaluated 2025-03-27.

Conditions:
Familial cold autoinflammatory syndrome 2 (FCAS2). Identifiers: Orphanet 247868, MedGen C2673198, MONDO:0012724, OMIM 611762.

Allele frequency attached by ClinVar (database versions not stated): ExAC 0.00001; gnomAD 0.00001; gnomAD exomes 0.00001; TOPMed 0.00003; ESP Exome Variant Server 0.00008.

Submissions (4):

Labcorp Genetics (formerly Invitae), Labcorp
Classification: Uncertain significance for Familial cold autoinflammatory syndrome 2. Last evaluated: 2025-03-27. Review status: criteria provided, single submitter. Criteria: Invitae Variant Classification Sherloc (09022015). Collection method: clinical testing. Allele origin: germline.
Comment: This sequence change replaces alanine, which is neutral and non-polar, with threonine, which is neutral and polar, at codon 35 of the NLRP12 protein (p.Ala35Thr). This variant is present in population databases (rs149098000, gnomAD 0.003%). This variant has not been reported in the literature in individuals affected with NLRP12-related conditions. ClinVar contains an entry for this variant (Variation ID: 932440). Invitae Evidence Modeling of protein sequence and biophysical properties (such as structural, functional, and spatial information, amino acid conservation, physicochemical variation, residue mobility, and thermodynamic stability) indicates that this missense variant is not expected to disrupt NLRP12 protein function with a negative predictive value of 80%. In summary, the available evidence is currently insufficient to determine the role of this variant in disease. Therefore, it has been classified as a Variant of Uncertain Significance.

ARUP Laboratories, Molecular Genetics and Genomics, ARUP Laboratories
Classification: Uncertain significance for Familial cold autoinflammatory syndrome 2. Last evaluated: 2024-10-17. Review status: criteria provided, single submitter. Criteria: ARUP Molecular Germline Variant Investigation Process 2024. Collection method: clinical testing. Allele origin: germline.
Comment: The NLRP12 c.103G>A; p.Ala35Thr variant (rs149098000), to our knowledge, is not reported in the medical literature but is reported in ClinVar (Variation ID: 932440). This variant is found in the general population with an overall allele frequency of 0.001% (3/282,772 alleles) in the Genome Aggregation Database (v2.1.1). Computational analyses predict that this variant is neutral (REVEL: 0.053). However, given the lack of clinical and functional data, the significance of this variant is uncertain at this time.

Blueprint Genetics
Classification: Uncertain significance. Last evaluated: 2022-04-13. Review status: criteria provided, single submitter. Criteria: ACMG Guidelines, 2015. Collection method: clinical testing. Allele origin: germline.

CeGaT Center for Human Genetics Tuebingen
Classification: Uncertain significance. Last evaluated: 2022-03-01. Review status: criteria provided, single submitter. Criteria: CeGaT Center For Human Genetics Tuebingen Variant Classification Criteria Version 2. Collection method: clinical testing. Allele origin: germline. Affected: yes. Observed: 2 variant alleles.
Comment: NLRP12: PM1, BP4